The following is an entry in ClinVar:

NM_080552.3(SLC32A1):c.178A>G (p.Met60Val)

Gene: SLC32A1 (solute carrier family 32 member 1; plus strand). Cytogenetic location: 20q11.23.
Variant type: single nucleotide variant.
Coding change: c.178A>G on transcript NM_080552.3 (MANE Select); coding-DNA position 178, A replaced by G.
Protein change: p.Met60Val; replaces methionine 60 with valine.
Molecular consequence: missense variant.
Genome position (GRCh38, 1-based): chr20:38,724,902, A>G. VCF-style: chr20-38724902-A-G. GRCh37 (hg19) VCF-style: chr20-37353545-A-G.
Other names: short protein forms M60V.
Identifiers: ClinVar variation 3767843 (VCV003767843.1).

ClinVar aggregate classification (germline): Uncertain significance (1 of 4 stars; one submission).

gnomAD v4.1: 1 of 1,613,938 alleles (0.000062%); highest among the groups gnomAD compares: Non-Finnish European, 0.000085%; no homozygotes.

Submission:

GeneDx
Classification: Uncertain significance. Last evaluated: 2024-09-06. Review status: criteria provided, single submitter. Criteria: GeneDx Variant Classification Process June 2021. Collection method: clinical testing. Allele origin: germline. Affected: yes.
Comment: Not observed at significant frequency in large population cohorts (gnomAD); In silico analysis indicates that this missense variant does not alter protein structure/function; Has not been previously published as pathogenic or benign to our knowledge